The following is an entry in ClinVar:

NM_014391.3(ANKRD1):c.563C>T (p.Thr188Ile)

Gene: ANKRD1 (ankyrin repeat domain 1; minus strand). Cytogenetic location: 10q23.31.
Variant type: single nucleotide variant.
Coding change: c.563C>T on transcript NM_014391.3 (MANE Select); coding-DNA position 563, C replaced by T.
Protein change: p.Thr188Ile; replaces threonine 188 with isoleucine.
Molecular consequence: missense variant.
Genome position (GRCh38, 1-based): chr10:90,916,259, G>A on the plus strand (C>T on the coding strand, the complement: ANKRD1 is on the minus strand). VCF-style: chr10-90916259-G-A. GRCh37 (hg19) VCF-style: chr10-92676016-G-A.
Other names: short protein forms T188I.
Identifiers: ClinVar variation 1359482 (VCV001359482.11), dbSNP rs1847373286, ClinGen allele CA377550944.

ClinVar aggregate classification (germline): Uncertain significance. Review status: criteria provided, multiple submitters, no conflicts (2 of 4 stars). 2 submissions from 2 submitters: Uncertain significance (2). Last evaluated 2026-01-15.

Conditions:
Cardiovascular phenotype. Identifiers: MedGen CN230736.
ANKRD1-related dilated cardiomyopathy. Identifiers: MedGen CN119551.

Allele frequency attached by ClinVar (database versions not stated): TOPMed below 0.00001.

Submissions (2):

Labcorp Genetics (formerly Invitae), Labcorp
Classification: Uncertain significance for ANKRD1-related dilated cardiomyopathy. Last evaluated: 2026-01-15. Review status: criteria provided, single submitter. Criteria: Invitae Variant Classification Sherloc (09022015). Collection method: clinical testing. Allele origin: germline.
Comment: This sequence change replaces threonine, which is neutral and polar, with isoleucine, which is neutral and non-polar, at codon 188 of the ANKRD1 protein (p.Thr188Ile). This variant is not present in population databases (gnomAD no frequency). This variant has not been reported in the literature in individuals affected with ANKRD1-related conditions. ClinVar contains an entry for this variant (Variation ID: 1359482). Invitae Evidence Modeling of protein sequence and biophysical properties (such as structural, functional, and spatial information, amino acid conservation, physicochemical variation, residue mobility, and thermodynamic stability) has been performed for this missense variant. However, the output from this modeling did not meet the statistical confidence thresholds required to predict the impact of this variant on ANKRD1 protein function. In summary, the available evidence is currently insufficient to determine the role of this variant in disease. Therefore, it has been classified as a Variant of Uncertain Significance.

Ambry Genetics
Classification: Uncertain significance for Cardiovascular phenotype. Last evaluated: 2024-04-01. Review status: criteria provided, single submitter. Criteria: Ambry Variant Classification Scheme 2023. Collection method: clinical testing. Allele origin: germline.
Comment: The p.T188I variant (also known as c.563C>T), located in coding exon 6 of the ANKRD1 gene, results from a C to T substitution at nucleotide position 563. The threonine at codon 188 is replaced by isoleucine, an amino acid with similar properties. This amino acid position is highly conserved in available vertebrate species. In addition, this alteration is predicted to be deleterious by in silico analysis. Since supporting evidence is limited at this time, the clinical significance of this alteration remains unclear.